The following is an entry in ClinVar:

NM_007294.4(BRCA1):c.2433del (p.Lys812fs)

Gene: BRCA1 (BRCA1 DNA repair associated; minus strand). Cytogenetic location: 17q21.31.
Variant type: Deletion.
Coding change: c.2433del on transcript NM_007294.4 (MANE Select); coding-DNA position 2433, one base deleted (C; older notation c.2433delC).
Protein change: p.Lys812fs; shifts the reading frame from lysine 812.
Molecular consequence: frameshift variant. On other transcripts: intron variant (137).
Genome position (GRCh38, 1-based): chr17:43,093,098, G deleted on the plus strand (C on the coding strand, the reverse complement: BRCA1 is on the minus strand); the first of 4 consecutive G bases (chr17:43,093,098-43,093,101); deleting any one gives the same sequence. VCF-style (leftmost placement, unchanged base first): chr17-43093097-TG-T. GRCh37 (hg19) VCF-style: chr17-41245114-TG-T.
Other names: p.(Lys812ArgfsTer3); 2552delC; c.2220del, p.Lys741fs (NM_001407571.1, NM_001407853.1, NM_001407894.1 and 9 more transcripts); c.2433del, p.Lys812fs (NM_001407581.1, NM_001407582.1, NM_001407583.1 and 30 more transcripts); c.2430del, p.Lys811fs (NM_001407587.1, NM_001407590.1, NM_001407591.1 and 22 more transcripts); c.2424del, p.Lys809fs (NM_001407646.1, NM_001407647.1); c.2310del, p.Lys771fs (NM_001407648.1, NM_001407664.1, NM_001407665.1 and 19 more transcripts); c.2307del, p.Lys770fs (NM_001407649.1, NM_001407670.1, NM_001407671.1 and 11 more transcripts); and 44 more; short protein forms K812fs, K765fs, K516fs, K684fs, K764fs, K771fs, K644fs, K701fs.
Identifiers: ClinVar variation 37469 (VCV000037469.54), dbSNP rs80357524, ClinGen allele CA001624.

ClinVar aggregate classification (germline): Pathogenic. Review status: reviewed by expert panel (3 of 4 stars). 25 submissions from 25 submitters: Pathogenic (1). 24 of the submissions do not count toward it. Last evaluated 2016-09-08.

Conditions:
BRCA1-related cancer predisposition. Identifiers: MedGen CN377757, MONDO:0700268.
BRCA1-related disorder. Also called: BRCA1-related condition.
Breast-ovarian cancer, familial, susceptibility to, 1 (BROVCA1). Also called: BRCA1 Hereditary Breast and Ovarian Cancer; OVARIAN CANCER, SUSCEPTIBILITY TO. Identifiers: Orphanet 145, MedGen C2676676, MONDO:0011450, OMIM 604370. Disease mechanism: loss of function.
Fanconi anemia, complementation group S (FANCS). Identifiers: MedGen C4554406, MONDO:0054748, OMIM 617883.
Pancreatic cancer, susceptibility to, 4. Identifiers: Orphanet 1333, MedGen C3280442, MONDO:0013685, OMIM 614320.
Familial cancer of breast. Also called: Hereditary breast cancer; BREAST CANCER, FAMILIAL; hereditary breast carcinoma. Identifiers: Orphanet 227535, MedGen C0346153, MONDO:0016419, OMIM 114480. Disease mechanism: loss of function.
Hereditary cancer-predisposing syndrome. Also called: Neoplastic Syndromes, Hereditary; Tumor predisposition; Hereditary Cancer Syndrome; Hereditary neoplastic syndrome. Identifiers: Orphanet 140162, MedGen C0027672, MeSH D009386, MONDO:0015356.
Hereditary breast ovarian cancer syndrome. Also called: Hereditary breast and ovarian cancer; Hereditary breast and ovarian cancer syndrome; Hereditary breast and ovarian cancer syndrome (HBOC); Hereditary breast and/or ovarian cancer syndrome; Breast and ovarian cancer; BRCA1- and BRCA2-Associated Hereditary Breast and Ovarian Cancer. Identifiers: Orphanet 145, MedGen C0677776, MeSH D061325, MONDO:0003582. Disease mechanism: loss of function.
Malignant tumor of breast. Also called: Malignant breast neoplasm; Cancer breast. Identifiers: MedGen C0006142, MONDO:0007254. Disease mechanism: loss of function.

Submissions 1 to 6 of 25:

Evidence-based Network for the Interpretation of Germline Mutant Alleles (ENIGMA)
Classification: Pathogenic for Breast-ovarian cancer, familial, susceptibility to, 1. Last evaluated: 2016-09-08. Review status: reviewed by expert panel. Criteria: ENIGMA BRCA1/2 Classification Criteria (2015). Collection method: curation. Allele origin: germline.
Comment: Variant allele predicted to encode a truncated non-functional protein.

PreventionGenetics, part of Exact Sciences
Classification: Pathogenic for BRCA1-related condition. Last evaluated: 2026-03-10. Review status: criteria provided, single submitter. Criteria: ACMG Guidelines, 2015. Collection method: clinical testing. Allele origin: germline. Not counted in ClinVar's aggregate classification.
Comment: The BRCA1 c.2433delC variant is predicted to result in a frameshift and premature protein termination (p.Pro811Profs*4). This variant, also described as 2552delC using legacy nomenclature, has been repeatedly observed in individuals of Korean and Hispanic ancestry with hereditary breast/ovarian cancer (Ahn et al. 2006. PubMed ID: 16455195; Torres-Mejía et al. 2014. PubMed ID: 25371446; Choi et al. 2015. PubMed ID: 26402875), including at least two individuals with triple-negative breast cancer (Ryu et al. 2018. PubMed ID: 30350268; Godinez Paredes et al. 2024. PubMed ID: 38520597). This variant has also been reported in at least two individuals with pancreatic ductal adenocarcinoma (Table S3, Bannon et al. 2018. PubMed ID: 30274973; Ryu et al. 2023. PubMed ID: 37024097). This variant is reported in 0.0054% of alleles in individuals of East Asian descent in gnomAD and has been classified as pathogenic by multiple institutions in ClinVar (Variation ID: 37469). Frameshift variants in BRCA1 are expected to be pathogenic. This variant is interpreted as pathogenic.

Variantyx, Inc.
Classification: Pathogenic for Breast-ovarian cancer, familial, susceptibility to, 1. Last evaluated: 2025-11-20. Review status: criteria provided, single submitter. Criteria: Variantyx Assertion Criteria 2022. Collection method: clinical testing. Allele origin: germline. Inheritance: Autosomal dominant inheritance. Not counted in ClinVar's aggregate classification.
Comment: This is a frameshift variant in the BRCA1 gene (OMIM: 113705). Pathogenic variants in this gene have been associated with autosomal dominant susceptibility to familial breast-ovarian cancer 1. This variant introduces a premature termination codon in exon 10 out of 23 and is expected to result in loss of function, which is a known disease mechanism for BRCA1 (PMID:11157798; 20301425)(PVS1). This is a well-documented alteration and it has been observed in multiple individuals affected with Hereditary Breast and Ovarian Cancer (PMID:30350268, 29240602, 23233716, 22217648, 20104584). The frequency of this variant in affected individuals is significantly increased compared to controls (PMID: 28111427) (PS4) and it has a 0.0069% maximum allele frequency in non-founder control populations. Other reputable laboratories have reported this variant as pathogenic or likely pathogenic, and this classification has been validated by an expert panel in ClinVar. Based on the current evidence, this variant is classified as pathogenic for autosomal dominant susceptibility to familial breast-ovarian cancer 1.

Labcorp Genetics (formerly Invitae), Labcorp
Classification: Pathogenic for Hereditary breast ovarian cancer syndrome. Last evaluated: 2025-11-17. Review status: criteria provided, single submitter. Criteria: Invitae Variant Classification Sherloc (09022015). Collection method: clinical testing. Allele origin: germline. Not counted in ClinVar's aggregate classification.
Comment: This sequence change creates a premature translational stop signal (p.Lys812Argfs*3) in the BRCA1 gene. It is expected to result in an absent or disrupted protein product. Loss-of-function variants in BRCA1 are known to be pathogenic (PMID: 20104584). This variant is present in population databases (rs80357524, gnomAD 0.006%). This premature translational stop signal has been observed in individual(s) with breast and/or ovarian cancer (PMID: 16030099, 22798144, 23233716). This variant is also known as 2552delC. ClinVar contains an entry for this variant (Variation ID: 37469). For these reasons, this variant has been classified as Pathogenic.

ARUP Laboratories, Molecular Genetics and Genomics, ARUP Laboratories
Classification: Pathogenic. Last evaluated: 2024-12-16. Review status: criteria provided, single submitter. Criteria: ARUP Molecular Germline Variant Investigation Process 2024. Collection method: clinical testing. Allele origin: germline. Not counted in ClinVar's aggregate classification.
Comment: The BRCA1 c.2433del; p.Lys812ArgfsTer3 variant (rs80357524), also reported as 2552delC, has been described in multiple individuals affected with breast and/or ovarian cancer and is a recurrent variant in Hispanic and Korean populations (Ahn 2007, Kim 2012, Tung 2015, Vogel 2007, Weitzel 2005). It is reported as a pathogenic variant by multiple sources in ClinVar (Variation ID: 37469) and is described on only 2 alleles in the Genome Aggregation Database, indicating it is not a common polymorphism. This variant causes a frameshift by deleting a single nucleotide, so it is predicted to result in a truncated protein or mRNA subject to nonsense-mediated decay. Based on available information, this variant is considered pathogenic. REFERENCES Ahn S et al. BRCA1 and BRCA2 germline mutations in Korean breast cancer patients at high risk of carrying mutations. Cancer Lett. 2007 Jan 8;245(1-2):90-5. Kim H et al. Characteristics and spectrum of BRCA1 and BRCA2 mutations in 3,922 Korean patients with breast and ovarian cancer. Breast Cancer Res Treat. 2012 Aug;134(3):1315-26. Tung N et al. Frequency of mutations in individuals with breast cancer referred for BRCA1 and BRCA2 testing using next-generation sequencing with a 25-gene panel. Cancer. 2015 Jan 1;121(1):25-33. Vogel K et al. BRCA1 and BRCA2 genetic testing in Hispanic patients: mutation prevalence and evaluation of the BRCAPRO risk assessment model. J Clin Oncol. 2007 Oct 10;25(29):4635-41. Weitzel J et al. Prevalence of BRCA mutations and founder effect in high-risk Hispanic families. Cancer Epidemiol Biomarkers Prev. 2005 Jul;14(7):1666-71.

All of Us Research Program, National Institutes of Health
Classification: Pathogenic for BRCA1-related cancer predisposition. Last evaluated: 2024-07-10. Review status: criteria provided, single submitter. Criteria: ACMG Guidelines, 2015. Collection method: clinical testing. Allele origin: germline. Inheritance: Autosomal dominant inheritance. Observed: 2 variant alleles, 2 heterozygotes. Not counted in ClinVar's aggregate classification.
Comment: This variant deletes 1 nucleotide in exon 10 of the BRCA1 gene, creating a frameshift and premature translation stop signal. This variant is expected to result in an absent or non-functional protein product. To our knowledge, functional studies have not been reported for this variant. This variant has been reported in over 10 individuals affected with breast and ovarian cancer (PMID: 16030099, 16685647, 16949048, 16455195, 17925560, 18159056, 19499246, 20104584, 22798144, 25186627, 25371446, 26402875, 33471991, 34063308) and has been observed to be a recurrent mutation in Latino and Korean populations (PMID: 17925560, 22798144, 26402875). This variant has been identified in 2/250608 chromosomes in the general population by the Genome Aggregation Database (gnomAD). Loss of BRCA1 function is a known mechanism of disease. Based on the available evidence, this variant is classified as Pathogenic.

This study involves interpretation of variants in research participants for the purpose of population health screening. Participant phenotype was not available at the time of variant classification. Additional details can be found in publication PMID: 35346344, PMCID: PMC8962531